The following is an entry in ClinVar:

ClinVar aggregate classification (germline): Uncertain significance (1 of 4 stars; one submission).

Conditions:
Familial cold autoinflammatory syndrome 3 (FCAS3). Also called: FAMILIAL ATYPICAL COLD URTICARIA; ANTIBODY DEFICIENCY AND IMMUNE DYSREGULATION, PLCG2-ASSOCIATED. Identifiers: Orphanet 300359, MedGen C3280914, MONDO:0013766, OMIM 614468.

gnomAD v4.1: 19 of 1,611,590 alleles (0.0012%); highest among the groups gnomAD compares: Middle Eastern, 0.016%; no homozygotes.

Submission:

Labcorp Genetics (formerly Invitae), Labcorp
Classification: Uncertain significance for Familial cold autoinflammatory syndrome 3. Last evaluated: 2024-12-15. Review status: criteria provided, single submitter. Criteria: Invitae Variant Classification Sherloc (09022015). Collection method: clinical testing. Allele origin: germline.
Comment: This sequence change replaces glutamic acid, which is acidic and polar, with glutamine, which is neutral and polar, at codon 675 of the PLCG2 protein (p.Glu675Gln). This variant is present in population databases (rs766717978, gnomAD 0.004%). This variant has not been reported in the literature in individuals affected with PLCG2-related conditions. An algorithm developed to predict the effect of missense changes on protein structure and function (PolyPhen-2) suggests that this variant is likely to be disruptive. In summary, the available evidence is currently insufficient to determine the role of this variant in disease. Therefore, it has been classified as a Variant of Uncertain Significance.

NM_002661.5(PLCG2):c.2023G>C (p.Glu675Gln)

Gene: PLCG2 (phospholipase C gamma 2; plus strand). Cytogenetic location: 16q23.3.
Variant type: single nucleotide variant.
Coding change: c.2023G>C on transcript NM_002661.5 (MANE Select); coding-DNA position 2023, G replaced by C.
Protein change: p.Glu675Gln; replaces glutamic acid 675 with glutamine.
Molecular consequence: missense variant.
Genome position (GRCh38, 1-based): chr16:81,912,685, G>C. VCF-style: chr16-81912685-G-C. GRCh37 (hg19) VCF-style: chr16-81946290-G-C.
Other names: c.2023G>C, p.Glu675Gln (NM_001425749.1, NM_001425750.1, NM_001425751.1); short protein forms E675Q.
Identifiers: ClinVar variation 3706009 (VCV003706009.2).